The following is an entry in ClinVar:

ClinVar aggregate classification (germline): Uncertain significance (1 of 4 stars; one submission).

Conditions:
Inborn genetic diseases. Identifiers: MedGen C0950123, MeSH D030342.

Submission:

Ambry Genetics
Classification: Uncertain significance for Inborn genetic diseases. Last evaluated: 2025-05-06. Review status: criteria provided, single submitter. Criteria: Ambry Variant Classification Scheme 2023. Collection method: clinical testing. Allele origin: germline.
Comment: The p.V158F variant (also known as c.472G>T) is located in coding exon 3 of the ERCC6L2 gene. The valine at codon 158 is replaced by phenylalanine, an amino acid with highly similar properties. This change occurs in the first base pair of coding exon 3. This amino acid position is conserved. In addition, this alteration is predicted to be deleterious by in silico analysis. Based on the available evidence, the clinical significance of this variant remains unclear.

NM_020207.7(ERCC6L2):c.472G>T (p.Val158Phe)

Gene: ERCC6L2 (ERCC excision repair 6 like 2; plus strand). Cytogenetic location: 9q22.32.
Variant type: single nucleotide variant.
Coding change: c.472G>T on transcript NM_020207.7 (MANE Select); coding-DNA position 472, G replaced by T.
Protein change: p.Val158Phe; replaces valine 158 with phenylalanine.
Molecular consequence: missense variant. On other transcripts: non-coding transcript variant (1).
Genome position (GRCh38, 1-based): chr9:95,897,849, G>T. VCF-style: chr9-95897849-G-T. GRCh37 (hg19) VCF-style: chr9-98660131-G-T.
Other names: c.472G>T, p.Val158Phe (NM_001010895.4, NM_001375291.1, NM_001375292.1 and 2 more transcripts); short protein forms V158F.
Identifiers: ClinVar variation 4019345 (VCV004019345.1).